The following is an entry in ClinVar:

ClinVar aggregate classification (germline): Uncertain significance (1 of 4 stars; one submission).

Conditions:
Hereditary pancreatitis (PCTT). Also called: Hereditary chronic pancreatitis; PRSS1-Related Hereditary Pancreatitis. Identifiers: Orphanet 676, MedGen C0238339, MONDO:0008185, OMIM 167800.

Submission:

Ambry Genetics
Classification: Uncertain significance for Hereditary pancreatitis. Last evaluated: 2023-12-08. Review status: criteria provided, single submitter. Criteria: Ambry Variant Classification Scheme 2023. Collection method: clinical testing. Allele origin: germline.
Comment: The p.P168L variant (also known as c.503C>T), located in coding exon 6 of the CTRC gene, results from a C to T substitution at nucleotide position 503. The proline at codon 168 is replaced by leucine, an amino acid with similar properties. This amino acid position is conserved. In addition, the in silico prediction for this alteration is inconclusive. Since supporting evidence is limited at this time, the clinical significance of this alteration remains unclear.

NM_007272.3(CTRC):c.503C>T (p.Pro168Leu)

Gene: CTRC (chymotrypsin C; plus strand). Cytogenetic location: 1p36.21.
Variant type: single nucleotide variant.
Coding change: c.503C>T on transcript NM_007272.3 (MANE Select); coding-DNA position 503, C replaced by T.
Protein change: p.Pro168Leu; replaces proline 168 with leucine.
Molecular consequence: missense variant.
Genome position (GRCh38, 1-based): chr1:15,444,615, C>T. VCF-style: chr1-15444615-C-T. GRCh37 (hg19) VCF-style: chr1-15771110-C-T.
Other names: short protein forms P168L.
Identifiers: ClinVar variation 3226076 (VCV003226076.1), dbSNP rs2526301153, ClinGen allele CA338566918.